The following is an entry in ClinVar:

NM_001759.4(CCND2):c.774G>C (p.Leu258=)

Gene: CCND2 (cyclin D2; plus strand). Cytogenetic location: 12p13.32.
Variant type: single nucleotide variant.
Coding change: c.774G>C on transcript NM_001759.4 (MANE Select); coding-DNA position 774, G replaced by C.
Protein change: p.Leu258=; no amino-acid change (leucine 258 retained).
Molecular consequence: synonymous variant.
Genome position (GRCh38, 1-based): chr12:4,299,913, G>C. VCF-style: chr12-4299913-G-C. GRCh37 (hg19) VCF-style: chr12-4409079-G-C.
Identifiers: ClinVar variation 3237411 (VCV003237411.1), dbSNP rs1225460078.
Genomic context (GRCh38, chr12:4,299,913, plus strand): 5'-GTTCTAGGATTGTCTCAAAGCTTGCCAGGAGCAGATTGAGGCGGTGCTCCTCAATAGCCT[G>C]CAGCAGTACCGTCAGGACCAACGTGACGGATCCAAGTCGGAGGATGAACTGGACCAAGCC-3'
Protein context (NP_001750.1, residues 248-268): EQIEAVLLNS[Leu258=]QQYRQDQRDG

ClinVar aggregate classification (germline): Uncertain significance (1 of 4 stars; one submission).

Conditions:
Megalencephaly-polymicrogyria-polydactyly-hydrocephalus syndrome 3 (MPPH3). Identifiers: Orphanet 83473, MedGen C4014742, MONDO:0014408, OMIM 615938.

Allele frequency attached by ClinVar (database versions not stated): gnomAD exomes below 0.00001; TOPMed 0.00001.
gnomAD v4.1: 1 of 1,614,190 alleles (0.000062%); highest among the groups gnomAD compares: Admixed American, 0.0017%; no homozygotes.

Submission:

Clinical Genomics Laboratory, Washington University in St. Louis
Classification: Uncertain significance for Megalencephaly-polymicrogyria-polydactyly-hydrocephalus syndrome 3. Last evaluated: 2024-02-09. Review status: criteria provided, single submitter. Criteria: ACMG Guidelines, 2015. Collection method: clinical testing. Allele origin: germline.
Comment: The CCND2 c.774G>C (p.Leu258=) variant was identified at a heterozygous allele fraction of 50%, a frequency which may be consistent with it being of germline origin. This variant, to our knowledge, has not been reported in the medical literature. The CCND2 c.774G>C (p.Leu258=) variant is only observed on 1/628,772 alleles in the general population (gnomAD v4.0.0), indicating it is not a common variant. Computational predictors indicate that the variant has no impact on splicing, evidence that this variant does not have a damaging effect on CCND2 function. Due to limited information, and based on ACMG/AMP guidelines for variant interpretation (Richards S et al., PMID: 25741868), the clinical significance of the CCND2 c.774G>C (p.Leu258=) variant is uncertain at this time.